The following is an entry in ClinVar:

NM_024592.5(SRD5A3):c.943C>T (p.Pro315Ser)

Genes: SRD5A3 (steroid 5 alpha-reductase 3; plus strand), SRD5A3-AS1 (SRD5A3 antisense RNA 1; minus strand). Cytogenetic location: 4q12.
Variant type: single nucleotide variant.
Coding change: c.943C>T on transcript NM_024592.5 (MANE Select); coding-DNA position 943, C replaced by T.
Protein change: p.Pro315Ser; replaces proline 315 with serine.
Molecular consequence: missense variant.
Genome position (GRCh38, 1-based): chr4:55,370,077, C>T. VCF-style: chr4-55370077-C-T. GRCh37 (hg19) VCF-style: chr4-56236244-C-T.
Other names: c.808C>T, p.Pro270Ser (NM_001410732.1); short protein forms P270S, P315S.
Identifiers: ClinVar variation 3367078 (VCV003367078.1).

ClinVar aggregate classification (germline): Uncertain significance (1 of 4 stars; one submission).

Conditions:
SRD5A3-congenital disorder of glycosylation. Also called: Congenital disorder of glycosylation type 1Q; CDG Iq; Ocular colobomas, ichthyosis, brain malformations and endocrine abnormalities; COLOBOMA, OCULAR, WITH ICHTHYOSIS, BRAIN MALFORMATIONS, AND ENDOCRINE ABNORMALITIES; SRD5A3-CDG. Identifiers: Orphanet 324737, MedGen C4317224, MONDO:0012885, OMIM 612379.

gnomAD v4.1: 23 of 1,613,586 alleles (0.0014%); highest among the groups gnomAD compares: South Asian, 0.025%; no homozygotes.

Submission:

Neuberg Centre For Genomic Medicine, NCGM
Classification: Uncertain significance for SRD5A3-congenital disorder of glycosylation. Last evaluated: 2023-05-20. Review status: criteria provided, single submitter. Criteria: ACMG Guidelines, 2015. Collection method: clinical testing. Allele origin: germline. Inheritance: Autosomal recessive inheritance. Affected: yes.
Comment: The observed missense c.943C>T(p.Pro315Ser) variant in SRD5A3 gene has been reported previously in homozygous state in individual(s) affected with Congenital disorders of glycosylation (CDG) (Kamarus Jaman et al., 2021). This variant is reported with the allele frequency of 0.006% in the gnomAD Exomes. The amino acid Pro at position 315 is changed to a Ser changing protein sequence and it might alter its composition and physico-chemical properties. The amino acid change p.Pro315Ser in SRD5A3 is predicted as conserved by GERP++ and PhyloP across 100 vertebrates. Multiple lines of computational evidence (Polyphen - Possibly Damaging, SIFT - Damaging, and MutationTaster - Disease causing) predict a damaging effect on protein structure and function for this variant. For these reasons, this variant has been classified as Uncertain Significance.